The following is an entry in ClinVar:

ClinVar aggregate classification (germline): Conflicting classifications of pathogenicity. Review status: criteria provided, conflicting classifications (1 of 4 stars). 8 submissions from 8 submitters: Uncertain significance (2); Benign (1); Likely benign (3). 2 of the submissions do not count toward it. Last evaluated 2026-01-27.

Conditions:
RECQL4-related disorder. Also called: RECQL4-related condition; RECQL4-related disorders.
Inborn genetic diseases. Identifiers: MedGen C0950123, MeSH D030342.
Hereditary cancer-predisposing syndrome. Also called: Tumor predisposition; Neoplastic Syndromes, Hereditary; Hereditary Cancer Syndrome; Hereditary neoplastic syndrome. Identifiers: Orphanet 140162, MedGen C0027672, MeSH D009386, MONDO:0015356.
Baller-Gerold syndrome (BGS). Also called: CRANIOSYNOSTOSIS WITH RADIAL DEFECTS. Identifiers: Orphanet 1225, MedGen C0265308, MONDO:0009039, OMIM 218600.

Allele frequency attached by ClinVar (database versions not stated): 1000 Genomes Project 30x 0.00016; 1000 Genomes Project 0.00020; ExAC 0.00024; gnomAD exomes 0.00026; TOPMed 0.00031; ESP Exome Variant Server 0.00040.
gnomAD v4.1: 782 of 1,612,242 alleles (0.049%); highest among the groups gnomAD compares: Non-Finnish European, 0.061%; no homozygotes.

Submissions (8):

Labcorp Genetics (formerly Invitae), Labcorp
Classification: Benign for Baller-Gerold syndrome. Last evaluated: 2026-01-27. Review status: criteria provided, single submitter. Criteria: Invitae Variant Classification Sherloc (09022015). Collection method: clinical testing. Allele origin: germline.

Blueprint Genetics
Classification: Likely benign. Last evaluated: 2024-11-07. Review status: criteria provided, single submitter. Criteria: ACMG Guidelines, 2015. Collection method: clinical testing. Allele origin: germline.

Ambry Genetics
Classification: Likely benign for Inborn genetic diseases. Last evaluated: 2024-10-02. Review status: criteria provided, single submitter. Criteria: Ambry Variant Classification Scheme 2023. Collection method: clinical testing. Allele origin: germline.

Daryl Scott Lab, Baylor College of Medicine
Classification: Uncertain significance for RECQL4-related disorder. Last evaluated: 2024-01-01. Review status: criteria provided, single submitter. Criteria: ACMG Guidelines, 2015. Collection method: clinical testing. Allele origin: maternal. Observed: 1 heterozygote.
Comment: BP4

Sema4
Classification: Likely benign for Hereditary cancer-predisposing syndrome. Last evaluated: 2021-07-14. Review status: criteria provided, single submitter. Criteria: Sema4 Curation Guidelines. Collection method: curation. Allele origin: germline.

Eurofins Ntd Llc (ga)
Classification: Uncertain significance. Last evaluated: 2017-12-27. Review status: criteria provided, single submitter. Criteria: EGL Classification Definitions 2015. Collection method: clinical testing. Allele origin: germline. Observed: 2 variant alleles, 2 heterozygotes.

Genetic Services Laboratory, University of Chicago
Classification: Likely benign. Last evaluated: 2022-12-19. Review status: no assertion criteria provided. Collection method: clinical testing. Allele origin: germline. Affected: no. Not counted in ClinVar's aggregate classification.

PreventionGenetics, part of Exact Sciences
Classification: Likely benign for RECQL4-related condition. Last evaluated: 2021-11-10. Review status: no assertion criteria provided. Collection method: clinical testing. Allele origin: germline. Not counted in ClinVar's aggregate classification.
Comment: This variant is classified as likely benign based on ACMG/AMP sequence variant interpretation guidelines (Richards et al. 2015 PMID: 25741868, with internal and published modifications).

NM_004260.4(RECQL4):c.1872C>T (p.Val624=)

Gene: RECQL4 (RecQ like helicase 4; minus strand). Cytogenetic location: 8q24.3.
Variant type: single nucleotide variant.
Coding change: c.1872C>T on transcript NM_004260.4 (MANE Select); coding-DNA position 1872, C replaced by T.
Protein change: p.Val624=; no amino-acid change (valine 624 retained).
Molecular consequence: synonymous variant.
Genome position (GRCh38, 1-based): chr8:144,514,195, G>A on the plus strand (C>T on the coding strand, the complement: RECQL4 is on the minus strand). VCF-style: chr8-144514195-G-A. GRCh37 (hg19) VCF-style: chr8-145739579-G-A.
Identifiers: ClinVar variation 193875 (VCV000193875.22), dbSNP rs201815449, ClinGen allele CA239561.